The following is an entry in ClinVar:

ClinVar aggregate classification (germline): Uncertain significance (1 of 4 stars; one submission).

Conditions:
Long QT syndrome (LQTS). Identifiers: MedGen C0023976, MeSH D008133, MONDO:0002442. Disease mechanism: loss of function. Inheritance: Various modes of inheritance.

gnomAD v4.1: 4 of 1,613,936 alleles (0.00025%); highest among the groups gnomAD compares: Admixed American, 0.0017%; no homozygotes.

Submission:

Labcorp Genetics (formerly Invitae), Labcorp
Classification: Uncertain significance for Long QT syndrome. Last evaluated: 2025-02-17. Review status: criteria provided, single submitter. Criteria: Invitae Variant Classification Sherloc (09022015). Collection method: clinical testing. Allele origin: germline.
Comment: This sequence change replaces arginine, which is basic and polar, with histidine, which is basic and polar, at codon 586 of the ANK2 protein (p.Arg586His). This variant is present in population databases (no rsID available, gnomAD 0.003%). This variant has not been reported in the literature in individuals affected with ANK2-related conditions. ClinVar contains an entry for this variant (Variation ID: 2895917). Invitae Evidence Modeling of protein sequence and biophysical properties (such as structural, functional, and spatial information, amino acid conservation, physicochemical variation, residue mobility, and thermodynamic stability) indicates that this missense variant is not expected to disrupt ANK2 protein function with a negative predictive value of 80%. In summary, the available evidence is currently insufficient to determine the role of this variant in disease. Therefore, it has been classified as a Variant of Uncertain Significance.

NM_001148.6(ANK2):c.1757G>A (p.Arg586His)

Gene: ANK2 (ankyrin 2; plus strand). Cytogenetic location: 4q26.
Variant type: single nucleotide variant.
Coding change: c.1757G>A on transcript NM_001148.6 (MANE Select); coding-DNA position 1757, G replaced by A.
Protein change: p.Arg586His; replaces arginine 586 with histidine.
Molecular consequence: missense variant.
Genome position (GRCh38, 1-based): chr4:113,277,910, G>A. VCF-style: chr4-113277910-G-A. GRCh37 (hg19) VCF-style: chr4-114199066-G-A.
Other names: c.1802G>A, p.Arg601His (NM_001354240.2, NM_001354241.2, NM_001354242.2 and 5 more transcripts); c.1694G>A, p.Arg565His (NM_001354243.2, NM_001354244.2, NM_001354252.2 and 14 more transcripts); c.1757G>A, p.Arg586His (NM_001354245.2, NM_001354246.2, NM_001354265.2 and 8 more transcripts); c.1670G>A, p.Arg557His (NM_001354249.2, NM_001354266.2, NM_001354267.2 and 13 more transcripts); c.1547G>A, p.Arg516His (NM_001354269.3); c.1559G>A, p.Arg520His (NM_001354273.2); c.1745G>A, p.Arg582His (NM_001386186.2, NM_001386148.2); c.1721G>A, p.Arg574His (NM_001386187.2); and 4 more; short protein forms R491H, R520H, R565H, R557H, R574H, R582H, R586H, R595H.
Identifiers: ClinVar variation 2895917 (VCV002895917.3), dbSNP rs1375977442, ClinGen allele CA357911238.